The following is an entry in ClinVar:

ClinVar aggregate classification (germline): Conflicting classifications of pathogenicity. Review status: criteria provided, conflicting classifications (1 of 4 stars). 4 submissions from 4 submitters: Uncertain significance (2); Likely benign (1). 1 of the submissions does not count toward it. Last evaluated 2025-10-06.

Conditions:
Hereditary cancer-predisposing syndrome. Also called: Neoplastic Syndromes, Hereditary; Hereditary neoplastic syndrome; Tumor predisposition; Hereditary Cancer Syndrome. Identifiers: Orphanet 140162, MedGen C0027672, MeSH D009386, MONDO:0015356.
Ataxia-telangiectasia syndrome (AT). Also called: Ataxia-telangiectasia, complementation group D; AT, COMPLEMENTATION GROUP C; Ataxia telangiectasia (A-T); Cerebello-oculocutaneous telangiectasia; Immunodeficiency with ataxia telangiectasia; Ataxia-telangiectasia. Identifiers: Orphanet 100, MedGen C0004135, MONDO:0008840, OMIM 208900.

Submissions (4):

Color Diagnostics, LLC DBA Color Health
Classification: Likely benign for Hereditary cancer-predisposing syndrome. Last evaluated: 2025-10-06. Review status: criteria provided, single submitter. Criteria: ACMG Guidelines, 2015. Collection method: clinical testing. Allele origin: germline.

Labcorp Genetics (formerly Invitae), Labcorp
Classification: Uncertain significance for Ataxia-telangiectasia syndrome. Last evaluated: 2025-09-09. Review status: criteria provided, single submitter. Criteria: Invitae Variant Classification Sherloc (09022015). Collection method: clinical testing. Allele origin: germline.
Comment: This sequence change replaces aspartic acid, which is acidic and polar, with histidine, which is basic and polar, at codon 1540 of the ATM protein (p.Asp1540His). This variant is not present in population databases (gnomAD no frequency). This variant has not been reported in the literature in individuals affected with ATM-related conditions. ClinVar contains an entry for this variant (Variation ID: 846323). Invitae Evidence Modeling of protein sequence and biophysical properties (such as structural, functional, and spatial information, amino acid conservation, physicochemical variation, residue mobility, and thermodynamic stability) indicates that this missense variant is not expected to disrupt ATM protein function with a negative predictive value of 95%. In summary, the available evidence is currently insufficient to determine the role of this variant in disease. Therefore, it has been classified as a Variant of Uncertain Significance.

Ambry Genetics
Classification: Uncertain significance for Hereditary cancer-predisposing syndrome. Last evaluated: 2023-08-30. Review status: criteria provided, single submitter. Criteria: Ambry Variant Classification Scheme 2023. Collection method: clinical testing. Allele origin: germline.
Comment: The p.D1540H variant (also known as c.4618G>C), located in coding exon 30 of the ATM gene, results from a G to C substitution at nucleotide position 4618. The aspartic acid at codon 1540 is replaced by histidine, an amino acid with similar properties. This amino acid position is not well conserved in available vertebrate species. In addition, this alteration is predicted to be tolerated by in silico analysis. Since supporting evidence is limited at this time, the clinical significance of this alteration remains unclear.

Natera, Inc.
Classification: Uncertain significance for Ataxia-telangiectasia. Last evaluated: 2020-02-26. Review status: no assertion criteria provided. Collection method: clinical testing. Allele origin: germline. Not counted in ClinVar's aggregate classification.

NM_000051.4(ATM):c.4618G>C (p.Asp1540His)

Gene: ATM (ATM serine/threonine kinase; plus strand). Cytogenetic location: 11q22.3.
Variant type: single nucleotide variant.
Coding change: c.4618G>C on transcript NM_000051.4 (MANE Select); coding-DNA position 4618, G replaced by C.
Protein change: p.Asp1540His; replaces aspartic acid 1540 with histidine.
Molecular consequence: missense variant.
Genome position (GRCh38, 1-based): chr11:108,293,319, G>C. VCF-style: chr11-108293319-G-C. GRCh37 (hg19) VCF-style: chr11-108164046-G-C.
Other names: c.4618G>C, p.Asp1540His (NM_001351834.2); short protein forms D1540H.
Identifiers: ClinVar variation 846323 (VCV000846323.15), dbSNP rs778622948, ClinGen allele CA382534575.
Genomic context (GRCh38, chr11:108,293,319, plus strand): 5'-TTACTTTAAAATTATTTCTCTCCTTATAATTTTTTCTTTTTAAATTATATTTAGGTATTG[G>C]ACTTGTTGAAATACTTAGTGATAGATAACAAGGATAATGAAAACCTCTATATCACGATTA-3'
Protein context (NP_000042.3, residues 1530-1550): EQVEVQKQVL[Asp1540His]LLKYLVIDNK